The following is an entry in ClinVar:

ClinVar aggregate classification (germline): Pathogenic. Review status: criteria provided, multiple submitters, no conflicts (2 of 4 stars). 5 submissions from 5 submitters: Pathogenic (5). Last evaluated 2024-05-22.

Conditions:
EP300-related disorder. Also called: EP300-related disorders; EP300-related condition.
Rubinstein-Taybi syndrome due to EP300 haploinsufficiency. Also called: RUBINSTEIN-TAYBI SYNDROME 2; EP300-Related Rubinstein-Taybi Syndrome. Identifiers: Orphanet 353284, Orphanet 783, MedGen C3150941, MONDO:0013364, OMIM 613684.

Submissions (5):

Labcorp Genetics (formerly Invitae), Labcorp
Classification: Pathogenic for Rubinstein-Taybi syndrome due to EP300 haploinsufficiency. Last evaluated: 2024-05-22. Review status: criteria provided, single submitter. Criteria: Invitae Variant Classification Sherloc (09022015). Collection method: clinical testing. Allele origin: germline.
Comment: This sequence change creates a premature translational stop signal (p.Arg1645*) in the EP300 gene. It is expected to result in an absent or disrupted protein product. Loss-of-function variants in EP300 are known to be pathogenic (PMID: 15706485, 24476420). This variant is not present in population databases (gnomAD no frequency). This premature translational stop signal has been observed in individual(s) with clinical features of Rubinstein–Taybi syndrome (PMID: 25712426, 27648933). ClinVar contains an entry for this variant (Variation ID: 183678). For these reasons, this variant has been classified as Pathogenic.

GeneDx
Classification: Pathogenic. Last evaluated: 2023-11-13. Review status: criteria provided, single submitter. Criteria: GeneDx Variant Classification Process June 2021. Collection method: clinical testing. Allele origin: germline. Affected: yes.
Comment: Nonsense variant predicted to result in protein truncation or nonsense mediated decay in a gene for which loss of function is a known mechanism of disease; Not observed at significant frequency in large population cohorts (gnomAD); This variant is associated with the following publications: (PMID: 24476420, 30789376, 25712426, 27648933, 35904121)

Baylor Genetics
Classification: Pathogenic for Rubinstein-Taybi syndrome due to EP300 haploinsufficiency. Last evaluated: 2019-08-28. Review status: criteria provided, single submitter. Criteria: ACMG Guidelines, 2015. Collection method: clinical testing. Allele origin: unknown. Affected: yes.
Comment: This variant was determined to be pathogenic according to ACMG Guidelines, 2015 [PMID:25741868]. The c.4933C>T (p.R1645*) variant is predicted to result in a premature stop codon in exon 30 of 31, at codon 1645 of 2414, and it has been previously reported in patients with Rubinstein-Taybi syndrome [PMID 27648933, 25712426]

ITMI
Classification: Pathogenic for Rubinstein-Taybi syndrome 2. Last evaluated: 2015-03-09. Review status: criteria provided, single submitter. Criteria: Submitter's publication. Collection method: research. Allele origin: germline. Affected: yes.

Rady Children's Institute for Genomic Medicine, Rady Children's Hospital San Diego
Classification: Pathogenic for EP300-related disorders. Review status: criteria provided, single submitter. Criteria: ACMG Guidelines, 2015. Collection method: clinical testing. Allele origin: germline. Affected: yes.
Comment: This nonsense variant found in exon 30 of 31 is predicted to result in loss of normal protein function through either protein truncation or nonsense-mediated mRNA decay. This variant has been previously reported as a heterozygous change in patients with Rubinstein-Taybi syndrome (PMID: 25712426, 27648933). The c.4933C>T (p.Arg1645Ter) variant is absent from the gnomAD population database and thus is presumed to be rare. Analysis of the parental samples was negative for the variant, indicating this variant likely occurred as a de novo event. Based on the available evidence, the c.4933C>T (p.Arg1645Ter) variant is classified as Pathogenic.

Literature cited by the submitters: PubMed 15706485 (cited by Labcorp Genetics (formerly Invitae), Labcorp); PubMed 24476420 (cited by Labcorp Genetics (formerly Invitae), Labcorp); PubMed 25712426 (cited by Labcorp Genetics (formerly Invitae), Labcorp and Baylor Genetics); PubMed 27648933 (cited by Labcorp Genetics (formerly Invitae), Labcorp and Baylor Genetics).

NM_001429.4(EP300):c.4933C>T (p.Arg1645Ter)

Gene: EP300 (EP300 lysine acetyltransferase; plus strand). Cytogenetic location: 22q13.2.
Variant type: single nucleotide variant.
Coding change: c.4933C>T on transcript NM_001429.4 (MANE Select); coding-DNA position 4933, C replaced by T.
Protein change: p.Arg1645Ter; replaces arginine 1645 with a stop codon.
Molecular consequence: nonsense.
Genome position (GRCh38, 1-based): chr22:41,176,400, C>T. VCF-style: chr22-41176400-C-T. GRCh37 (hg19) VCF-style: chr22-41572404-C-T.
Other names: c.4855C>T, p.Arg1619Ter (NM_001362843.2); short protein forms R1645*, R1619*.
Identifiers: ClinVar variation 183678 (VCV000183678.15), dbSNP rs139310551, ClinGen allele CA273820.